The following is an entry in ClinVar:

ClinVar aggregate classification (germline): Uncertain significance. Review status: reviewed by expert panel (3 of 4 stars). 3 submissions from 3 submitters: Uncertain significance (1). 2 of the submissions do not count toward it. Last evaluated 2024-02-15.

Conditions:
Histiocytic medullary reticulosis. Also called: SEVERE COMBINED IMMUNODEFICIENCY WITH HYPEREOSINOPHILIA; Omenn syndrome. Identifiers: Orphanet 39041, MedGen C2700553, MONDO:0011338, OMIM 603554.
Severe combined immunodeficiency due to DCLRE1C deficiency (RS-SCID). Also called: SCID, AUTOSOMAL RECESSIVE, T CELL-NEGATIVE, B CELL-NEGATIVE, NK CELL-POSITIVE, WITH SENSITIVITY TO IONIZING RADIATION. Identifiers: Orphanet 275, MedGen C1865371, MONDO:0011225, OMIM 602450.

Allele frequency attached by ClinVar (database versions not stated): ExAC 0.00005; gnomAD exomes 0.00002 and 0.00003.
gnomAD v4.1: 21 of 1,597,366 alleles (0.0013%); highest among the groups gnomAD compares: Non-Finnish European, 0.0017%; no homozygotes.

Submissions (3):

ClinGen Severe Combined Immunodeficiency Variant Curation Expert Panel, ClinGen
Classification: Uncertain significance for Severe combined immunodeficiency due to DCLRE1C deficiency. Last evaluated: 2024-02-15. Review status: reviewed by expert panel. Criteria: ClinGen SCID ACMG Specifications DCLRE1C V1.0.0. Collection method: curation. Allele origin: germline. Inheritance: Autosomal recessive inheritance.
Comment: The c.281C>A (NM_001033855.3) variant in DCLRE1C is a missense variant predicted to cause substitution of Serine by Tyrosine at amino acid 94 (p.Ser94Tyr). The filtering allele frequency (the upper threshold of the 95% CI of 20/1097996 alleles) of the c.281C>A variant in DCLRE1C is 0.00001189 for European (non-Finnish) chromosomes by gnomAD v4, which is lower than the ClinGen SCID VCEP threshold (<0.00003266) for PM2_Supporting, and therefore meets this criterion (PM2_Supporting). No homozygotes have been observed in gnomAD. To our knowledge, this variant has not been reported in the literature in individuals affected with DCLRE1C-related conditions or in functional studies. Due to insufficient evidence, this variant is classified as a variant of uncertain significance for autosomal recessive severe combined immunodeficiency due to DCLRE1C deficiency based on the ACMG/AMP criteria applied, as specified by the ClinGen SCID VCEP: PM2_Supporting (specification version 1.0).

Labcorp Genetics (formerly Invitae), Labcorp
Classification: Uncertain significance for Athabaskan severe combined immunodeficiency. Last evaluated: 2022-03-15. Review status: criteria provided, single submitter. Criteria: Invitae Variant Classification Sherloc (09022015). Collection method: clinical testing. Allele origin: germline. Not counted in ClinVar's aggregate classification.
Comment: This sequence change replaces serine, which is neutral and polar, with tyrosine, which is neutral and polar, at codon 94 of the DCLRE1C protein (p.Ser94Tyr). This variant is present in population databases (rs762266339, gnomAD 0.007%). This variant has not been reported in the literature in individuals affected with DCLRE1C-related conditions. ClinVar contains an entry for this variant (Variation ID: 877154). Algorithms developed to predict the effect of missense changes on protein structure and function are either unavailable or do not agree on the potential impact of this missense change (SIFT: "Tolerated"; PolyPhen-2: "Probably Damaging"; Align-GVGD: "Class C0"). In summary, the available evidence is currently insufficient to determine the role of this variant in disease. Therefore, it has been classified as a Variant of Uncertain Significance.

Illumina Laboratory Services, Illumina
Classification: Uncertain significance for Histiocytic medullary reticulosis. Last evaluated: 2017-04-27. Review status: criteria provided, single submitter. Criteria: ICSL Variant Classification Criteria 13 December 2019. Collection method: clinical testing. Allele origin: germline. Not counted in ClinVar's aggregate classification.

NM_001033855.3(DCLRE1C):c.281C>A (p.Ser94Tyr)

Gene: DCLRE1C (DNA cross-link repair 1C; minus strand). Cytogenetic location: 10p13.
Variant type: single nucleotide variant.
Coding change: c.281C>A on transcript NM_001033855.3 (MANE Select); coding-DNA position 281, C replaced by A.
Protein change: p.Ser94Tyr; replaces serine 94 with tyrosine.
Molecular consequence: missense variant. On other transcripts: 5 prime UTR variant (9), non-coding transcript variant (4).
Genome position (GRCh38, 1-based): chr10:14,939,835, G>T on the plus strand (C>A on the coding strand, the complement: DCLRE1C is on the minus strand). VCF-style: chr10-14939835-G-T. GRCh37 (hg19) VCF-style: chr10-14981834-G-T.
Other names: NM_001033855.3(DCLRE1C):c.281C>A; p.Ser94Tyr; c.-80C>A (NM_001033857.3, NM_001033858.3, NM_001289077.2 and 2 more transcripts); c.-9C>A (NM_001289076.2, NM_001289078.2, NM_001350966.2 and 1 more transcripts); c.281C>A, p.Ser94Tyr (NM_001350965.2); short protein forms S94Y.
Identifiers: ClinVar variation 877154 (VCV000877154.5), dbSNP rs762266339, ClinGen allele CA5416932.